The following is an entry in ClinVar:

NM_002335.4(LRP5):c.92-7C>T

Gene: LRP5 (LDL receptor related protein 5; plus strand). Cytogenetic location: 11q13.2.
Variant type: single nucleotide variant.
Coding change: c.92-7C>T on transcript NM_002335.4 (MANE Select); 7 bases into the intron before coding-DNA position 92, C replaced by T.
Molecular consequence: intron variant.
Genome position (GRCh38, 1-based): chr11:68,347,840, C>T. VCF-style: chr11-68347840-C-T. GRCh37 (hg19) VCF-style: chr11-68115308-C-T.
Other names: c.92-7C>T (NM_002335.3); c.-1674-7C>T (NM_001291902.2).
Identifiers: ClinVar variation 1965459 (VCV001965459.7), dbSNP rs1335499175, ClinGen allele CA600238890.

ClinVar aggregate classification (germline): Likely benign. Review status: criteria provided, single submitter (1 of 4 stars). 2 submissions from 2 submitters: Likely benign (1). 1 of the submissions does not count toward it. Last evaluated 2025-11-25.

Conditions:
LRP5-related disorder. Also called: LRP5-related condition.

Allele frequency attached by ClinVar (database versions not stated): TOPMed below 0.00001; gnomAD exomes below 0.00001.
gnomAD v4.1: 2 of 1,613,024 alleles (0.00012%); highest among the groups gnomAD compares: Admixed American, 0.0033%; no homozygotes.

Submissions (2):

Labcorp Genetics (formerly Invitae), Labcorp
Classification: Likely benign. Last evaluated: 2025-11-25. Review status: criteria provided, single submitter. Criteria: Invitae Variant Classification Sherloc (09022015). Collection method: clinical testing. Allele origin: germline.

PreventionGenetics, part of Exact Sciences
Classification: Likely benign for LRP5-related condition. Last evaluated: 2019-07-09. Review status: no assertion criteria provided. Collection method: clinical testing. Allele origin: germline. Not counted in ClinVar's aggregate classification.
Comment: This variant is classified as likely benign based on ACMG/AMP sequence variant interpretation guidelines (Richards et al. 2015 PMID: 25741868, with internal and published modifications).